The following is an entry in ClinVar:

ClinVar aggregate classification (germline): Pathogenic. Review status: reviewed by expert panel (3 of 4 stars). 3 submissions from 3 submitters: Pathogenic (1). 2 of the submissions do not count toward it. Last evaluated 2016-09-08.

Conditions:
Breast-ovarian cancer, familial, susceptibility to, 2 (BROVCA2). Also called: BRCA2 Hereditary Breast and Ovarian Cancer. Identifiers: Orphanet 145, MedGen C2675520, MONDO:0012933, OMIM 612555. Disease mechanism: loss of function.

Submissions (3):

Evidence-based Network for the Interpretation of Germline Mutant Alleles (ENIGMA)
Classification: Pathogenic for Breast-ovarian cancer, familial, susceptibility to, 2. Last evaluated: 2016-09-08. Review status: reviewed by expert panel. Criteria: ENIGMA BRCA1/2 Classification Criteria (2015). Collection method: curation. Allele origin: germline.
Comment: Variant allele predicted to encode a truncated non-functional protein.

Medical and Scientific Branch, Hong Kong Genome Institute
Classification: Likely pathogenic for Breast-ovarian cancer, familial, susceptibility to, 2. Last evaluated: 2025-10-11. Review status: criteria provided, single submitter. Criteria: ACMG Guidelines, 2015. Collection method: clinical testing. Allele origin: germline. Affected: yes. Not counted in ClinVar's aggregate classification.

GeneDx
Classification: Pathogenic. Last evaluated: 2014-06-11. Review status: criteria provided, single submitter. Criteria: GeneDx Variant Classification (06012015). Collection method: clinical testing. Allele origin: germline. Affected: yes. Not counted in ClinVar's aggregate classification.
Comment: This deletion of one nucleotide is denoted BRCA2 c.3010delA at the cDNA level and p.Ser1004ValfsX39 (S1004VfsX39) at the protein level. The normal sequence, with the base that is deleted in brackets, is TCAC[A]GTTT. The deletion causes a frameshift, which changes a Serine to a Valine at codon 1004, and creates a premature stop codon at position 39 of the new reading frame. Although this variant has not, to our knowledge, been reported in the literature, it is predicted to cause loss of normal protein function through either protein truncation or nonsense-mediated mRNA decay. we consider this variant to be pathogenic.

NM_000059.4(BRCA2):c.3010del (p.Ser1004fs)

Gene: BRCA2 (BRCA2 DNA repair associated; plus strand). Cytogenetic location: 13q13.1.
Variant type: Deletion.
Coding change: c.3010del on transcript NM_000059.4 (MANE Select); coding-DNA position 3010, one base deleted (A; older notation c.3010delA).
Protein change: p.Ser1004fs; shifts the reading frame from serine 1004.
Molecular consequence: frameshift variant.
Genome position (GRCh38, 1-based): chr13:32,337,365, A deleted. VCF-style (leftmost placement, unchanged base first): chr13-32337364-CA-C. GRCh37 (hg19) VCF-style: chr13-32911501-CA-C.
Other names: c.3010delA (NM_000059.3); short protein forms S1004fs.
Identifiers: ClinVar variation 182311 (VCV000182311.4), dbSNP rs730881604, ClinGen allele CA017044.